The following is an entry in ClinVar:

ClinVar aggregate classification (germline): Uncertain significance (1 of 4 stars; one submission).

Conditions:
Inborn genetic diseases. Identifiers: MedGen C0950123, MeSH D030342.

gnomAD v4.1: 1 of 1,614,208 alleles (0.000062%); highest among the groups gnomAD compares: Non-Finnish European, 0.000085%; no homozygotes.

Submission:

Ambry Genetics
Classification: Uncertain significance for Inborn genetic diseases. Last evaluated: 2025-07-03. Review status: criteria provided, single submitter. Criteria: Ambry Variant Classification Scheme 2023. Collection method: clinical testing. Allele origin: germline.
Comment: The p.S117R variant (also known as c.349A>C), located in coding exon 5 of the ASXL1 gene, results from an A to C substitution at nucleotide position 349. The serine at codon 117 is replaced by arginine, an amino acid with dissimilar properties. This amino acid position is conserved. In addition, this alteration is predicted to be tolerated by in silico analysis. Based on the available evidence, the clinical significance of this variant remains unclear.

NM_015338.6(ASXL1):c.349A>C (p.Ser117Arg)

Gene: ASXL1 (ASXL transcriptional regulator 1; plus strand). Cytogenetic location: 20q11.21.
Variant type: single nucleotide variant.
Coding change: c.349A>C on transcript NM_015338.6 (MANE Select); coding-DNA position 349, A replaced by C.
Protein change: p.Ser117Arg; replaces serine 117 with arginine.
Molecular consequence: missense variant.
Genome position (GRCh38, 1-based): chr20:32,428,224, A>C. VCF-style: chr20-32428224-A-C. GRCh37 (hg19) VCF-style: chr20-31016027-A-C.
Other names: c.319A>C, p.Ser107Arg (NM_001363734.1); short protein forms S107R, S117R.
Identifiers: ClinVar variation 4158023 (VCV004158023.1).